The following is an entry in ClinVar:

NM_002529.4(NTRK1):c.176del (p.Leu59fs)

Gene: NTRK1 (neurotrophic receptor tyrosine kinase 1; plus strand). Cytogenetic location: 1q23.1.
Variant type: Deletion.
Coding change: c.176del on transcript NM_002529.4 (MANE Select); coding-DNA position 176, one base deleted (T; older notation c.176delT).
Protein change: p.Leu59fs; shifts the reading frame from leucine 59.
Molecular consequence: frameshift variant. On other transcripts: intron variant (1).
Genome position (GRCh38, 1-based): chr1:156,861,110, T deleted. VCF-style (leftmost placement, unchanged base first): chr1-156861109-CT-C. GRCh37 (hg19) VCF-style: chr1-156830901-CT-C.
Other names: c.176del, p.Leu59fs (NM_001012331.2); c.123-3244del (NM_001007792.1); short protein forms L59fs.
Identifiers: ClinVar variation 5004202 (VCV005004202.1).
Genomic context (GRCh38, chr1:156,861,109, plus strand): 5'-GCCTGCTGCCCCCACGGCTCCTCGGGACTGCGATGCACCCGGGATGGGGCCCTGGATAGC[CT>C]CCACCACCTGCCCGGCGCAGAGAACCTGACTGAGCTGTGAGTGTCCGGCGGGCGGTGGGG-3'

ClinVar aggregate classification (germline): Pathogenic (1 of 4 stars; one submission).

Conditions:
Hereditary insensitivity to pain with anhidrosis (CIPA). Also called: NEUROPATHY, CONGENITAL SENSORY, WITH ANHIDROSIS; INSENSITIVITY TO PAIN, CONGENITAL, WITH ANHIDROSIS; FAMILIAL DYSAUTONOMIA, TYPE II; NTRK1 Congenital Insensitivity to Pain with Anhidrosis; hereditary sensory and autonomic neuropathy type 4; HSAN Type IV. Identifiers: Orphanet 642, MedGen C0020074, MONDO:0009746, OMIM 256800.

Submission:

Myriad Genetics, Inc.
Classification: Pathogenic for Hereditary insensitivity to pain with anhidrosis. Last evaluated: 2025-10-08. Review status: criteria provided, single submitter. Criteria: Myriad Autosomal Dominant, Autosomal Recessive and X-Linked Classification Criteria (2023). Collection method: clinical testing. Allele origin: unknown.
Comment: NM_002529.3(NTRK1):c.176delT(L59Pfs*10) is a frameshift variant classified as pathogenic in the context of congenital insensitivity to pain with anhidrosis, NTRK1-related. L59Pfs*10 has not been observed in cases with relevant disease. Relevant functional assessments of this variant are not available in the literature. L59Pfs*10 has not been observed in referenced population frequency databases. In summary, NM_002529.3(NTRK1):c.176delT(L59Pfs*10) is a frameshift variant in a gene where loss of function is a known mechanism of disease and is predicted to disrupt protein function. Please note: this variant was assessed in the context of healthy population screening.